The following is an entry in ClinVar:

ClinVar aggregate classification (germline): Pathogenic. Review status: criteria provided, multiple submitters, no conflicts (2 of 4 stars). 4 submissions from 4 submitters: Pathogenic (4). Last evaluated 2025-05-29.

Conditions:
Hereditary cancer-predisposing syndrome. Also called: Hereditary neoplastic syndrome; Tumor predisposition; Neoplastic Syndromes, Hereditary; Hereditary Cancer Syndrome. Identifiers: Orphanet 140162, MedGen C0027672, MeSH D009386, MONDO:0015356.
Cardiovascular phenotype. Identifiers: MedGen CN230736.
Neurofibromatosis, familial spinal (FSNF). Identifiers: Orphanet 636, MedGen C1834235, MONDO:0008078, OMIM 162210. Disease mechanism: loss of function.
Juvenile myelomonocytic leukemia (JMML). Also called: LEUKEMIA, JUVENILE MYELOMONOCYTIC, SOMATIC. Identifiers: Orphanet 86834, MedGen C0349639, MONDO:0011908, OMIM 607785, HP:0012209.
Neurofibromatosis, type 1 (NF1). Also called: Neurofibromatosis, type I; NEUROFIBROMATOSIS, TYPE I, SOMATIC; Peripheral type neurofibromatosis; VON RECKLINGHAUSEN DISEASE. Identifiers: Orphanet 636, MedGen C0027831, MONDO:0018975, OMIM 162200. Disease mechanism: loss of function.
Neurofibromatosis-Noonan syndrome (NFNS). Also called: NEUROFIBROMATOSIS WITH NOONAN PHENOTYPE. Identifiers: Orphanet 638, MedGen C2931482, MONDO:0011035, OMIM 601321. Disease mechanism: loss of function.
Café-au-lait macules with pulmonary stenosis (WTSN). Also called: PULMONIC STENOSIS WITH CAFE-AU-LAIT SPOTS. Identifiers: MedGen C0553586, MONDO:0008672, OMIM 193520.

Submissions (4):

ARUP Laboratories, Molecular Genetics and Genomics, ARUP Laboratories
Classification: Pathogenic. Last evaluated: 2025-05-29. Review status: criteria provided, single submitter. Criteria: ARUP Molecular Germline Variant Investigation Process 2024. Collection method: clinical testing. Allele origin: germline.
Comment: The NF1 c.662G>A; p.Trp221Ter variant (rs1131691126, ClinVar Variation ID: 429007) is reported in the literature in an individual with neurofibromatosis type I (Sorrentino 2021). Another nucleotide variant also leading to a premature termination codon at position 221, c.663G>A; p.Trp221Ter, has been described in several individuals with a clinical diagnosis of neurofibromatosis type I (See link to LOVD database, Frayling 2019, Laycock-van Spyk 2011). The c.662G>A; p.Trp221Ter variant is absent from the Genome Aggregation Database (v2.1.1), indicating it is not a common polymorphism. This variant induces an early termination codon and is predicted to result in a truncated protein or mRNA subject to nonsense-mediated decay. Based on available information, this variant is considered to be pathogenic. References: Link to LOVD NF1 database: Frayling IM et al. Breast cancer risk in neurofibromatosis type 1 is a function of the type of NF1 gene mutation: a new genotype-phenotype correlation. J Med Genet. 2019;56(4):209-219. Laycock-van Spyk S et al. Neurofibromatosis type 1-associated tumours: their somatic mutational spectrum and pathogenesis. Hum Genomics. 2011 Oct;5(6):623-90. Sorrentino U et al. Epilepsy in NF1: Epidemiologic, Genetic, and Clinical Features. A Monocentric Retrospective Study in a Cohort of 784 Patients. Cancers (Basel). 2021 Dec 17;13(24):6336. PMID: 34944956.

GeneDx
Classification: Pathogenic. Last evaluated: 2023-10-30. Review status: criteria provided, single submitter. Criteria: GeneDx Variant Classification Process June 2021. Collection method: clinical testing. Allele origin: germline. Affected: yes.
Comment: Nonsense variant predicted to result in protein truncation or nonsense mediated decay in a gene for which loss-of-function is a known mechanism of disease; A different nucleotide change (c.663G>A) leading to the same nonsense variant has been reported in the published literature in association with neurofibromatosis type 1 (PMID: 22155606); Not observed in large population cohorts (gnomAD); This variant is associated with the following publications: (PMID: 23656349, 25550361, 34944956, 22155606)

Ambry Genetics
Classification: Pathogenic for Cardiovascular phenotype; Hereditary cancer-predisposing syndrome. Last evaluated: 2016-09-02. Review status: criteria provided, single submitter. Criteria: Ambry General Variant Classification Scheme_2022. Collection method: clinical testing. Allele origin: germline. Observed: 1 variant allele.
Comment: The p.W221* variant (also known as c.662G>A), located in coding exon 7 of the NF1 gene, results from a G to A substitution at nucleotide position 662. This changes the amino acid from a tryptophan to a stop codon within coding exon 7. This alteration is expected to result in loss of function by premature protein truncation or nonsense-mediated mRNA decay. As such, this alteration is interpreted as a disease-causing mutation.

Juno Genomics, Hangzhou Juno Genomics, Inc
Classification: Pathogenic for Juvenile myelomonocytic leukemia; Neurofibromatosis, familial spinal; Neurofibromatosis, type 1; Neurofibromatosis-Noonan syndrome; Café-au-lait macules with pulmonary stenosis. Review status: criteria provided, single submitter. Criteria: ACMG Guidelines, 2015. Collection method: clinical testing. Allele origin: germline. Affected: yes.
Comment: Null variant in a gene where loss of function (LOF) is a known mechanism of disease.;Absent from controls (or at extremely low frequency if recessive) in Genome Aggregation Database, Exome Sequencing Project, 1000 Genomes Project, or Exome Aggregation Consortium.;De novo (both maternity and paternity confirmed) in a patient with the disease and no family history.;Patient's phenotype or family history is highly specific for a disease with a single genetic etiology.

NM_001042492.3(NF1):c.662G>A (p.Trp221Ter)

Gene: NF1 (neurofibromin 1; plus strand). Cytogenetic location: 17q11.2.
Variant type: single nucleotide variant.
Coding change: c.662G>A on transcript NM_001042492.3 (MANE Select); coding-DNA position 662, G replaced by A.
Protein change: p.Trp221Ter; replaces tryptophan 221 with a stop codon.
Molecular consequence: nonsense.
Genome position (GRCh38, 1-based): chr17:31,181,717, G>A. VCF-style: chr17-31181717-G-A. GRCh37 (hg19) VCF-style: chr17-29508735-G-A.
Other names: c.662G>A, p.Trp221Ter (NM_000267.4, NM_001128147.3); short protein forms W221*.
Identifiers: ClinVar variation 429007 (VCV000429007.15), dbSNP rs1131691126, ClinGen allele CA398989666.